The following is an entry in ClinVar:

ClinVar aggregate classification (germline): Uncertain significance. Review status: criteria provided, single submitter (1 of 4 stars). 2 submissions from 2 submitters: Uncertain significance (1). 1 of the submissions does not count toward it.

Conditions:
Diabetes mellitus, permanent neonatal 2. Also called: KCNJ11-Related Permanent Neonatal Diabetes Mellitus. Identifiers: MedGen C5394296, MONDO:0030087, OMIM 618856.
Hyperinsulinemia. Also called: Hyperinsulinism. Identifiers: MedGen C0020459, MONDO:0002177, HP:0000842.

Submissions (2):

Clinical Genomics, Uppaluri K&H Personalized Medicine Clinic
Classification: Uncertain significance for Hyperinsulinemia. Review status: criteria provided, single submitter. Criteria: K&H Uppaluri Personalized Medicine Clinic Variant Classification & Assertion Criteria. Collection method: research. Allele origin: somatic.
Comment: Mutations in KCNJ11 gene can cause decreased production and secretion of insulin. This can lead to MODY which may be responsive to oral sulfonylureas. But more studies are required to ascertain the significance of rs387906783 variant in MODY.

OMIM
Classification: Pathogenic for DIABETES MELLITUS, PERMANENT NEONATAL, 2, WITH NEUROLOGIC FEATURES. Last evaluated: 2010-03-15. Review status: no assertion criteria provided. Collection method: literature only. Allele origin: germline. Not counted in ClinVar's aggregate classification.

Literature cited by the submitters: PubMed 32027066 (cited by Clinical Genomics, Uppaluri K&H Personalized Medicine Clinic); PubMed 20022885 (cited by OMIM).

NM_000525.4(KCNJ11):c.179T>A (p.Phe60Tyr)

Gene: KCNJ11 (potassium inwardly rectifying channel subfamily J member 11; minus strand). Cytogenetic location: 11p15.1.
Variant type: single nucleotide variant.
Coding change: c.179T>A on transcript NM_000525.4 (MANE Select); coding-DNA position 179, T replaced by A.
Protein change: p.Phe60Tyr; replaces phenylalanine 60 with tyrosine.
Molecular consequence: missense variant. On other transcripts: intron variant (3).
Genome position (GRCh38, 1-based): chr11:17,387,913, A>T on the plus strand (T>A on the coding strand, the complement: KCNJ11 is on the minus strand). VCF-style: chr11-17387913-A-T. GRCh37 (hg19) VCF-style: chr11-17409460-A-T.
Other names: c.-16-67T>A (NM_001166290.2, NM_001377297.1, NM_001377296.1); short protein forms F60Y.
Identifiers: ClinVar variation 30135 (VCV000030135.4), dbSNP rs387906783, ClinGen allele CA128966.